The following is an entry in ClinVar:

NM_024824.5(ZC3H14):c.714G>A (p.Gln238=)

Gene: ZC3H14 (zinc finger CCCH-type containing 14; plus strand). Cytogenetic location: 14q31.3.
Variant type: single nucleotide variant.
Coding change: c.714G>A on transcript NM_024824.5 (MANE Select); coding-DNA position 714, G replaced by A.
Protein change: p.Gln238=; no amino-acid change (glutamine 238 retained).
Molecular consequence: synonymous variant. On other transcripts: non-coding transcript variant (1).
Genome position (GRCh38, 1-based): chr14:88,572,860, G>A. VCF-style: chr14-88572860-G-A. GRCh37 (hg19) VCF-style: chr14-89039204-G-A.
Other names: c.714G>A, p.Gln238= (NM_001160103.2, NM_001160104.2, NM_001326295.2 and 9 more transcripts); c.612G>A, p.Gln204= (NM_001326297.2, NM_001326301.2, NM_001326303.2 and 3 more transcripts); c.249G>A, p.Gln83= (NM_001326300.2, NM_001326302.2, NM_001326304.2 and 5 more transcripts).
Identifiers: ClinVar variation 3041375 (VCV003041375.2), dbSNP rs564069379, ClinGen allele CA7300281.

ClinVar aggregate classification (germline): Likely benign (0 of 4 stars; one submission).

Conditions:
ZC3H14-related disorder. Also called: ZC3H14-related condition.

Allele frequency attached by ClinVar (database versions not stated): TOPMed 0.00003; gnomAD 0.00025; gnomAD exomes 0.00036; ExAC 0.00083; 1000 Genomes Project 30x 0.00172; 1000 Genomes Project 0.00180.
gnomAD v4.1: 578 of 1,614,198 alleles (0.036%); highest among the groups gnomAD compares: South Asian, 0.59%; 2 homozygotes.

Submission:

PreventionGenetics, part of Exact Sciences
Classification: Likely benign for ZC3H14-related condition. Last evaluated: 2019-05-07. Review status: no assertion criteria provided. Collection method: clinical testing. Allele origin: germline.
Comment: This variant is classified as likely benign based on ACMG/AMP sequence variant interpretation guidelines (Richards et al. 2015 PMID: 25741868, with internal and published modifications).